The following is an entry in ClinVar:

NM_001244926.2(PRPF4):c.1333C>A (p.Pro445Thr)

Gene: PRPF4 (pre-mRNA splicing tri-snRNP complex factor PRPF4; plus strand). Cytogenetic location: 9q32.
Variant type: single nucleotide variant.
Coding change: c.1333C>A on transcript NM_001244926.2 (MANE Select); coding-DNA position 1333, C replaced by A.
Protein change: p.Pro445Thr; replaces proline 445 with threonine.
Molecular consequence: missense variant. On other transcripts: non-coding transcript variant (2).
Genome position (GRCh38, 1-based): chr9:113,290,977, C>A. VCF-style: chr9-113290977-C-A. GRCh37 (hg19) VCF-style: chr9-116053257-C-A.
Other names: c.607C>A, p.Pro203Thr (NM_001322266.2, NM_001322267.2); c.1336C>A, p.Pro446Thr (NM_004697.5); short protein forms P446T, P445T, P203T.
Identifiers: ClinVar variation 1525748 (VCV001525748.9), dbSNP rs2118649754, ClinGen allele CA374555902.

ClinVar aggregate classification (germline): Uncertain significance. Review status: criteria provided, multiple submitters, no conflicts (2 of 4 stars). 2 submissions from 2 submitters: Uncertain significance (2). Last evaluated 2021-08-10.

Submissions (2):

Blueprint Genetics
Classification: Uncertain significance. Last evaluated: 2021-08-10. Review status: criteria provided, single submitter. Criteria: ACMG Guidelines, 2015. Collection method: clinical testing. Allele origin: germline.

Labcorp Genetics (formerly Invitae), Labcorp
Classification: Uncertain significance. Last evaluated: 2021-06-07. Review status: criteria provided, single submitter. Criteria: Invitae Variant Classification Sherloc (09022015). Collection method: clinical testing. Allele origin: germline.
Comment: This variant has not been reported in the literature in individuals with PRPF4-related conditions. In summary, the available evidence is currently insufficient to determine the role of this variant in disease. Therefore, it has been classified as a Variant of Uncertain Significance. Algorithms developed to predict the effect of missense changes on protein structure and function are either unavailable or do not agree on the potential impact of this missense change (SIFT: "Tolerated"; PolyPhen-2: "Probably Damaging"; Align-GVGD: "Class C0"). This variant is not present in population databases (ExAC no frequency). This sequence change replaces proline with threonine at codon 446 of the PRPF4 protein (p.Pro446Thr). The proline residue is highly conserved and there is a small physicochemical difference between proline and threonine.